The following is an entry in ClinVar:

ClinVar aggregate classification (germline): Uncertain significance (1 of 4 stars; one submission).

Conditions:
Joubert syndrome. Also called: CEREBELLOPARENCHYMAL DISORDER IV; JOUBERT-BOLTSHAUSER SYNDROME; Familial aplasia of the vermis. Identifiers: Orphanet 475, MedGen C5979921, MONDO:0018772.
Nephronophthisis. Also called: Juvenile Nephronophthisis. Identifiers: Orphanet 655, MedGen C0687120, MONDO:0019005, HP:0000090.
Meckel-Gruber syndrome. Also called: DYSENCEPHALIA SPLANCHNOCYSTICA; GRUBER SYNDROME; Dysencephalia splachnocystica. Identifiers: Orphanet 564, MedGen C0265215, MONDO:0018921.

Allele frequency attached by ClinVar (database versions not stated): TOPMed below 0.00001; gnomAD 0.00001.
gnomAD v4.1: 1 of 1,566,542 alleles (0.000064%); highest among the groups gnomAD compares: Non-Finnish European, 0.000086%; no homozygotes.

Submission:

Labcorp Genetics (formerly Invitae), Labcorp
Classification: Uncertain significance for Joubert syndrome; Meckel-Gruber syndrome; Nephronophthisis. Last evaluated: 2024-10-01. Review status: criteria provided, single submitter. Criteria: Invitae Variant Classification Sherloc (09022015). Collection method: clinical testing. Allele origin: germline.
Comment: This sequence change replaces isoleucine, which is neutral and non-polar, with valine, which is neutral and non-polar, at codon 686 of the CEP290 protein (p.Ile686Val). This variant is present in population databases (no rsID available, gnomAD 0.007%). This variant has not been reported in the literature in individuals affected with CEP290-related conditions. ClinVar contains an entry for this variant (Variation ID: 1362980). Invitae Evidence Modeling of protein sequence and biophysical properties (such as structural, functional, and spatial information, amino acid conservation, physicochemical variation, residue mobility, and thermodynamic stability) indicates that this missense variant is not expected to disrupt CEP290 protein function with a negative predictive value of 80%. In summary, the available evidence is currently insufficient to determine the role of this variant in disease. Therefore, it has been classified as a Variant of Uncertain Significance.

NM_025114.4(CEP290):c.2056A>G (p.Ile686Val)

Gene: CEP290 (centrosomal protein 290; minus strand). Cytogenetic location: 12q21.32.
Variant type: single nucleotide variant.
Coding change: c.2056A>G on transcript NM_025114.4 (MANE Select); coding-DNA position 2056, A replaced by G.
Protein change: p.Ile686Val; replaces isoleucine 686 with valine.
Molecular consequence: missense variant.
Genome position (GRCh38, 1-based): chr12:88,111,855, T>C on the plus strand (A>G on the coding strand, the complement: CEP290 is on the minus strand). VCF-style: chr12-88111855-T-C. GRCh37 (hg19) VCF-style: chr12-88505632-T-C.
Other names: short protein forms I686V.
Identifiers: ClinVar variation 1362980 (VCV001362980.8), dbSNP rs1189284598, ClinGen allele CA385975614.